The following is an entry in ClinVar:

ClinVar aggregate classification (germline): Uncertain significance (1 of 4 stars; one submission).

Conditions:
Hereditary cancer-predisposing syndrome. Also called: Neoplastic Syndromes, Hereditary; Tumor predisposition; Hereditary Cancer Syndrome; Hereditary neoplastic syndrome. Identifiers: Orphanet 140162, MedGen C0027672, MeSH D009386, MONDO:0015356.

gnomAD v4.1: 6 of 1,614,040 alleles (0.00037%); highest among the groups gnomAD compares: African/African-American, 0.0013%; no homozygotes.

Submission:

Ambry Genetics
Classification: Uncertain significance for Hereditary cancer-predisposing syndrome. Last evaluated: 2025-11-11. Review status: criteria provided, single submitter. Criteria: Ambry Variant Classification Scheme 2023. Collection method: clinical testing. Allele origin: germline.
Comment: The p.Y876C variant (also known as c.2627A>G), located in coding exon 15 of the DICER1 gene, results from an A to G substitution at nucleotide position 2627. The tyrosine at codon 876 is replaced by cysteine, an amino acid with highly dissimilar properties. This amino acid position is conserved. In addition, this alteration is predicted to be deleterious by in silico analysis. Based on the available evidence, the clinical significance of this variant remains unclear.

NM_177438.3(DICER1):c.2627A>G (p.Tyr876Cys)

Gene: DICER1 (dicer 1, ribonuclease III; minus strand). Cytogenetic location: 14q32.13.
Variant type: single nucleotide variant.
Coding change: c.2627A>G on transcript NM_177438.3 (MANE Select); coding-DNA position 2627, A replaced by G.
Protein change: p.Tyr876Cys; replaces tyrosine 876 with cysteine.
Molecular consequence: missense variant. On other transcripts: non-coding transcript variant (6).
Genome position (GRCh38, 1-based): chr14:95,107,903, T>C on the plus strand (A>G on the coding strand, the complement: DICER1 is on the minus strand). VCF-style: chr14-95107903-T-C. GRCh37 (hg19) VCF-style: chr14-95574240-T-C.
Other names: c.2627A>G, p.Tyr876Cys (NM_001195573.1, NM_001271282.3, NM_001291628.2 and 12 more transcripts); c.2345A>G, p.Tyr782Cys (NM_001395686.1); c.2222A>G, p.Tyr741Cys (NM_001395687.1, NM_001395688.1, NM_001395689.1 and 2 more transcripts); c.2060A>G, p.Tyr687Cys (NM_001395691.1); c.944A>G, p.Tyr315Cys (NM_001395697.1); short protein forms Y687C, Y315C, Y876C, Y741C, Y782C.
Identifiers: ClinVar variation 4637559 (VCV004637559.1).